The following is an entry in ClinVar:

NM_004655.4(AXIN2):c.561_562insA (p.Gln188fs)

Gene: AXIN2 (axin 2; minus strand). Cytogenetic location: 17q24.1.
Variant type: Insertion.
Coding change: c.561_562insA on transcript NM_004655.4 (MANE Select); coding-DNA positions 561 to 562, A inserted.
Protein change: p.Gln188fs; shifts the reading frame from glutamine 188.
Molecular consequence: frameshift variant.
Genome position: GRCh38 VCF-style: chr17-65558059-G-GT. GRCh37 (hg19) VCF-style: chr17-63554177-G-GT.
Other names: c.561_562insA, p.Gln188fs (NM_001363813.1); short protein forms Q188fs.
Identifiers: ClinVar variation 2583513 (VCV002583513.2), dbSNP rs2544249496, ClinGen allele CA2582342300.

ClinVar aggregate classification (germline): Pathogenic (1 of 4 stars; one submission).

Conditions:
Oligodontia-cancer predisposition syndrome. Also called: TOOTH AGENESIS-COLORECTAL CANCER SYNDROME. Identifiers: Orphanet 300576, MedGen C1837750, MONDO:0012075, OMIM 608615. Disease mechanism: loss of function.

Submission:

Myriad Genetics, Inc.
Classification: Pathogenic for Oligodontia-cancer predisposition syndrome. Last evaluated: 2023-05-17. Review status: criteria provided, single submitter. Criteria: Myriad Autosomal Dominant, Autosomal Recessive and X-Linked Classification Criteria (2023). Collection method: clinical testing. Allele origin: unknown.
Comment: This variant is considered pathogenic. This variant creates a frameshift predicted to result in premature protein truncation.